The following is an entry in ClinVar:

ClinVar aggregate classification (germline): Uncertain significance (1 of 4 stars; one submission).

Submission:

Mayo Clinic Laboratories, Mayo Clinic
Classification: Uncertain significance. Last evaluated: 2025-09-09. Review status: criteria provided, single submitter. Criteria: ACMG Guidelines, 2015. Collection method: clinical testing. Allele origin: germline. Observed: 1 variant allele.
Comment: PP3

NM_001201550.3(CFHR4):c.1540+6T>G

Gene: CFHR4 (complement factor H related 4; plus strand). Cytogenetic location: 1q31.3.
Variant type: single nucleotide variant.
Coding change: c.1540+6T>G on transcript NM_001201550.3 (MANE Select); 6 bases into the intron after coding-DNA position 1540, T replaced by G.
Molecular consequence: intron variant.
Genome position (GRCh38, 1-based): chr1:196,915,144, T>G. VCF-style: chr1-196915144-T-G. GRCh37 (hg19) VCF-style: chr1-196884274-T-G.
Other names: p.?; c.799+6T>G (NM_006684.5); c.1537+6T>G (NM_001201551.2).
Identifiers: ClinVar variation 4542088 (VCV004542088.1).